The following is an entry in ClinVar:

NM_000441.2(SLC26A4):c.1996T>C (p.Ser666Pro)

Gene: SLC26A4 (solute carrier family 26 member 4; plus strand). Cytogenetic location: 7q22.3.
Variant type: single nucleotide variant.
Coding change: c.1996T>C on transcript NM_000441.2 (MANE Select); coding-DNA position 1996, T replaced by C.
Protein change: p.Ser666Pro; replaces serine 666 with proline.
Molecular consequence: missense variant.
Genome position (GRCh38, 1-based): chr7:107,702,019, T>C. VCF-style: chr7-107702019-T-C. GRCh37 (hg19) VCF-style: chr7-107342464-T-C.
Other names: short protein forms S666P.
Identifiers: ClinVar variation 2628823 (VCV002628823.4), dbSNP rs397516425, ClinGen allele CA4432994.

ClinVar aggregate classification (germline): Uncertain significance. Review status: criteria provided, multiple submitters, no conflicts (2 of 4 stars). 4 submissions from 4 submitters: Uncertain significance (4). Last evaluated 2025-10-30.

Conditions:
SLC26A4-related disorder. Also called: SLC26A4-related condition; SLC26A4-related disorders.

gnomAD v4.1: 8 of 1,613,976 alleles (0.0005%); highest among the groups gnomAD compares: Admixed American, 0.013%; no homozygotes.

Submissions (4):

Women's Health and Genetics/Laboratory Corporation of America, LabCorp
Classification: Uncertain significance. Last evaluated: 2025-10-30. Review status: criteria provided, single submitter. Criteria: LabCorp Variant Classification Summary - May 2015. Collection method: clinical testing. Allele origin: germline.
Comment: Variant summary: SLC26A4 c.1996T>C (p.Ser666Pro) results in a non-conservative amino acid change in the encoded protein sequence. Algorithms developed to predict the effect of missense changes on protein structure and function all suggest that this variant is likely to be disruptive. The variant allele was found at a frequency of 2.8e-05 in 251212 control chromosomes. The available data on variant occurrences in the general population are insufficient to allow any conclusion about variant significance. c.1996T>C has been observed in at least one individual with hearing loss (example: Wu_2022). This report does not provide unequivocal conclusions about association of the variant with Pendred Syndrome. To our knowledge, no experimental evidence demonstrating an impact on protein function has been reported. The following publications have been ascertained in the context of this evaluation (PMID: 31564438, 35982127). ClinVar contains an entry for this variant (Variation ID: 2628823). Based on the evidence outlined above, the variant was classified as uncertain significance.

Labcorp Genetics (formerly Invitae), Labcorp
Classification: Uncertain significance. Last evaluated: 2023-11-15. Review status: criteria provided, single submitter. Criteria: Invitae Variant Classification Sherloc (09022015). Collection method: clinical testing. Allele origin: germline.
Comment: This sequence change replaces serine, which is neutral and polar, with proline, which is neutral and non-polar, at codon 666 of the SLC26A4 protein (p.Ser666Pro). This variant is present in population databases (rs397516425, gnomAD 0.02%). This missense change has been observed in individual(s) with nonsyndromic deafness (PMID: 35982127; Invitae). Advanced modeling of protein sequence and biophysical properties (such as structural, functional, and spatial information, amino acid conservation, physicochemical variation, residue mobility, and thermodynamic stability) has been performed at Invitae for this missense variant, however the output from this modeling did not meet the statistical confidence thresholds required to predict the impact of this variant on SLC26A4 protein function. This variant disrupts the p.Ser666 amino acid residue in SLC26A4. Other variant(s) that disrupt this residue have been observed in individuals with SLC26A4-related conditions (PMID: 14508505), which suggests that this may be a clinically significant amino acid residue. In summary, the available evidence is currently insufficient to determine the role of this variant in disease. Therefore, it has been classified as a Variant of Uncertain Significance.

PreventionGenetics, part of Exact Sciences
Classification: Uncertain significance for SLC26A4-related condition. Last evaluated: 2023-03-09. Review status: criteria provided, single submitter. Criteria: ACMG Guidelines, 2015. Collection method: clinical testing. Allele origin: germline.
Comment: The SLC26A4 c.1996T>C variant is predicted to result in the amino acid substitution p.Ser666Pro. To our knowledge, this variant has not been reported in the literature. This variant is reported in 0.020% of alleles in individuals of Latino descent in gnomAD. At this time, the clinical significance of this variant is uncertain due to the absence of conclusive functional and genetic evidence.

Blueprint Genetics
Classification: Uncertain significance. Last evaluated: 2022-12-16. Review status: criteria provided, single submitter. Criteria: ACMG Guidelines, 2015. Collection method: clinical testing. Allele origin: germline.

Literature cited by the submitters: PubMed 35982127 (cited by Women's Health and Genetics/Laboratory Corporation of America, LabCorp and Labcorp Genetics (formerly Invitae), Labcorp); PubMed 31564438 (cited by Women's Health and Genetics/Laboratory Corporation of America, LabCorp); PubMed 14508505 (cited by Labcorp Genetics (formerly Invitae), Labcorp).